The following is an entry in ClinVar:

NM_003128.3(SPTBN1):c.3238A>G (p.Arg1080Gly)

Gene: SPTBN1 (spectrin beta, non-erythrocytic 1; plus strand). Cytogenetic location: 2p16.2.
Variant type: single nucleotide variant.
Coding change: c.3238A>G on transcript NM_003128.3 (MANE Select); coding-DNA position 3238, A replaced by G.
Protein change: p.Arg1080Gly; replaces arginine 1080 with glycine.
Molecular consequence: missense variant.
Genome position (GRCh38, 1-based): chr2:54,631,285, A>G. VCF-style: chr2-54631285-A-G. GRCh37 (hg19) VCF-style: chr2-54858422-A-G.
Other names: c.3199A>G, p.Arg1067Gly (NM_178313.3); short protein forms R1067G, R1080G.
Identifiers: ClinVar variation 3573672 (VCV003573672.1).

ClinVar aggregate classification (germline): Uncertain significance (1 of 4 stars; one submission).

Submission:

GeneDx
Classification: Uncertain significance. Last evaluated: 2024-07-16. Review status: criteria provided, single submitter. Criteria: GeneDx Variant Classification Process June 2021. Collection method: clinical testing. Allele origin: germline. Affected: yes.
Comment: Not observed at significant frequency in large population cohorts (gnomAD); In silico analysis supports that this missense variant has a deleterious effect on protein structure/function; Has not been previously published as pathogenic or benign to our knowledge